The following is an entry in ClinVar:

ClinVar aggregate classification (germline): Uncertain significance (1 of 4 stars; one submission).

gnomAD v4.1: 1 of 1,612,658 alleles (0.000062%); highest among the groups gnomAD compares: Non-Finnish European, 0.000085%; no homozygotes.

Submission:

GeneDx
Classification: Uncertain significance. Last evaluated: 2024-02-14. Review status: criteria provided, single submitter. Criteria: GeneDx Variant Classification Process June 2021. Collection method: clinical testing. Allele origin: germline. Affected: yes.
Comment: Not observed at significant frequency in large population cohorts (gnomAD); In silico analysis supports a deleterious effect on splicing; Has not been previously published as pathogenic or benign to our knowledge

NM_001270.4(CHD1):c.54-7A>G

Genes: CHD1 (chromodomain helicase DNA binding protein 1; minus strand), LOC126807465 (P300/CBP strongly-dependent group 1 enhancer GRCh37_chr5:98240158-98241357; plus strand). Cytogenetic location: 5q21.1.
Variant type: single nucleotide variant.
Coding change: c.54-7A>G on transcript NM_001270.4 (MANE Select); 7 bases into the intron before coding-DNA position 54, A replaced by G.
Molecular consequence: intron variant.
Genome position (GRCh38, 1-based): chr5:98,905,105, T>C on the plus strand (A>G on the coding strand, the complement: CHD1 is on the minus strand). VCF-style: chr5-98905105-T-C. GRCh37 (hg19) VCF-style: chr5-98240809-T-C.
Other names: c.54-7A>G (NM_001376194.2, NM_001364113.3).
Identifiers: ClinVar variation 3369274 (VCV003369274.1).
Genomic context (GRCh38, chr5:98,905,105, plus strand): 5'-GAACTCGAACCAGATCCAGAGCCTGAAGCTGACCCAGAATCATCATCCGACTGGCTATAA[T>C]TTGAAAATAAACAATTTCAAACAAAATTCATTAGGAATTTAATTTTTCTTAGACGTCAGC-3'